The following is an entry in ClinVar:

NM_001004334.4(GPR179):c.1891-24_1891-15del

Gene: GPR179 (G protein-coupled receptor 179; minus strand). Cytogenetic location: 17q12.
Variant type: Deletion.
Coding change: c.1891-24_1891-15del on transcript NM_001004334.4 (MANE Select); 24 bases into the intron before coding-DNA position 1891 through 15 bases into the intron before coding-DNA position 1891, 10 bases deleted (CCCACTCTTA; older notation c.1891-24_1891-15delCCCACTCTTA).
Molecular consequence: intron variant.
Genome position (GRCh38, 1-based): chr17:38,333,412-38,333,421, TAAGAGTGGG deleted on the plus strand (CCCACTCTTA on the coding strand, the reverse complement: GPR179 is on the minus strand). VCF-style (leftmost placement, unchanged base first): chr17-38333411-ATAAGAGTGGG-A. GRCh37 (hg19) VCF-style: chr17-36489294-ATAAGAGTGGG-A.
Identifiers: ClinVar variation 2004809 (VCV002004809.4), dbSNP rs761414341, ClinGen allele CA290107901.
Genomic context (GRCh38, chr17:38,333,411, plus strand): 5'-ACCTCATCCACCATCTCCTCCCGGGGAGGAGCCCCCAGCTTCCAGAACTGGCAGGGGTGC[ATAAGAGTGGG>A]AAAAAGACTCGCCCTGGCTCCTTGTCCACTCCTGCACTCACCTGCCCTGTGGAATGCGTC-3'

ClinVar aggregate classification (germline): Uncertain significance (1 of 4 stars; one submission).

Allele frequency attached by ClinVar (database versions not stated): gnomAD exomes below 0.00001; ExAC 0.00001.

Submission:

Labcorp Genetics (formerly Invitae), Labcorp
Classification: Uncertain significance. Last evaluated: 2024-01-29. Review status: criteria provided, single submitter. Criteria: Invitae Variant Classification Sherloc (09022015). Collection method: clinical testing. Allele origin: germline.
Comment: This sequence change falls in intron 9 of the GPR179 gene. It does not directly change the encoded amino acid sequence of the GPR179 protein. This variant is present in population databases (rs761414341, gnomAD 0.0009%). This variant has not been reported in the literature in individuals affected with GPR179-related conditions. ClinVar contains an entry for this variant (Variation ID: 2004809). Algorithms developed to predict the effect of sequence changes on RNA splicing suggest that this variant may disrupt the consensus splice site. In summary, the available evidence is currently insufficient to determine the role of this variant in disease. Therefore, it has been classified as a Variant of Uncertain Significance.